The following is an entry in ClinVar:

NM_000048.4(ASL):c.175G>A (p.Glu59Lys)

Gene: ASL (argininosuccinate lyase; plus strand). Cytogenetic location: 7q11.21.
Variant type: single nucleotide variant.
Coding change: c.175G>A on transcript NM_000048.4 (MANE Select); coding-DNA position 175, G replaced by A.
Protein change: p.Glu59Lys; replaces glutamic acid 59 with lysine.
Molecular consequence: missense variant.
Genome position (GRCh38, 1-based): chr7:66,081,965, G>A. VCF-style: chr7-66081965-G-A. GRCh37 (hg19) VCF-style: chr7-65546952-G-A.
Other names: c.175G>A, p.Glu59Lys (NM_001024943.2, NM_001024944.2, NM_001024946.2); short protein forms E59K.
Identifiers: ClinVar variation 224970 (VCV000224970.19), dbSNP rs869312985, ClinGen allele CA357215.

ClinVar aggregate classification (germline): Pathogenic/Likely pathogenic. Review status: criteria provided, multiple submitters, no conflicts (2 of 4 stars). 7 submissions from 7 submitters: Pathogenic (4); Likely pathogenic (3). Last evaluated 2025-03-31.

Conditions:
ASL-related disorder. Also called: ASL-related condition.
Argininosuccinate lyase deficiency. Also called: Argininosuccinic aciduria; ARGININOSUCCINIC ACID LYASE DEFICIENCY; ASL DEFICIENCY. Identifiers: Orphanet 23, MedGen C0268547, MONDO:0008815, OMIM 207900, HP:0025630.

Allele frequency attached by ClinVar (database versions not stated): TOPMed below 0.00001; gnomAD exomes 0.00001.
gnomAD v4.1: 9 of 1,612,480 alleles (0.00056%); highest among the groups gnomAD compares: Admixed American, 0.0017%; no homozygotes.

Submissions (7):

Labcorp Genetics (formerly Invitae), Labcorp
Classification: Pathogenic for Argininosuccinate lyase deficiency. Last evaluated: 2025-03-31. Review status: criteria provided, single submitter. Criteria: Invitae Variant Classification Sherloc (09022015). Collection method: clinical testing. Allele origin: germline.
Comment: This sequence change replaces glutamic acid, which is acidic and polar, with lysine, which is basic and polar, at codon 59 of the ASL protein (p.Glu59Lys). This variant is not present in population databases (gnomAD no frequency). This missense change has been observed in individual(s) with ASL deficiency (PMID: 12384776; internal data). In at least one individual the data is consistent with being in trans (on the opposite chromosome) from a pathogenic variant. ClinVar contains an entry for this variant (Variation ID: 224970). Invitae Evidence Modeling of protein sequence and biophysical properties (such as structural, functional, and spatial information, amino acid conservation, physicochemical variation, residue mobility, and thermodynamic stability) indicates that this missense variant is expected to disrupt ASL protein function with a positive predictive value of 95%. For these reasons, this variant has been classified as Pathogenic.

Natera, Inc.
Classification: Likely pathogenic for Argininosuccinate lyase deficiency. Last evaluated: 2024-10-17. Review status: criteria provided, single submitter. Criteria: Natera Variant Classification Schema (03/2026). Collection method: clinical testing. Allele origin: germline.
Comment: The c.175G>A variant in ASL is a missense variant predicted to cause substitution of glutamic acid to lysine at amino acid 59. This variant is rare in the general population with a frequency below the threshold expected for the associated phenotype(s). This variant has been observed in one or more individuals affected with the associated recessive disease, as either homozygous or compound heterozygous with a second variant (PMID: 12384776, 24166829). Computational prediction algorithms indicate this variant is likely to affect gene or protein function. Given the available evidence, this variant is classified as Likely Pathogenic.

Blueprint Genetics
Classification: Pathogenic for ASL-related disorders. Last evaluated: 2024-06-27. Review status: criteria provided, single submitter. Criteria: ACMG Guidelines, 2015. Collection method: clinical testing. Allele origin: germline. Affected: yes. Observed: 3 variant alleles.

Fulgent Genetics
Classification: Likely pathogenic for Argininosuccinate lyase deficiency. Last evaluated: 2024-01-21. Review status: criteria provided, single submitter. Criteria: ACMG Guidelines, 2015. Collection method: clinical testing. Allele origin: germline.

GeneDx
Classification: Likely pathogenic. Last evaluated: 2023-08-28. Review status: criteria provided, single submitter. Criteria: GeneDx Variant Classification Process June 2021. Collection method: clinical testing. Allele origin: germline. Affected: yes.
Comment: Not observed at significant frequency in large population cohorts (gnomAD); In silico analysis supports that this missense variant has a deleterious effect on protein structure/function; This variant is associated with the following publications: (PMID: 12384776, 31589614)

Baylor Genetics
Classification: Pathogenic for Argininosuccinate lyase deficiency. Last evaluated: 2023-07-19. Review status: criteria provided, single submitter. Criteria: ACMG Guidelines, 2015. Collection method: clinical testing. Allele origin: unknown.

SNPedia
Classification: Pathogenic for Argininosuccinate lyase deficiency. Review status: criteria provided, single submitter. Criteria: Linnebank et al. (Hum Genet. 2002). Collection method: literature only. Allele origin: germline. Affected: yes.

Literature cited by the submitters: PubMed 12384776 (cited by Labcorp Genetics (formerly Invitae), Labcorp and Natera, Inc.); PubMed 24166829 (cited by Natera, Inc.).